The following is an entry in ClinVar:

NM_000051.4(ATM):c.6800A>T (p.Asn2267Ile)

Genes: ATM (ATM serine/threonine kinase; plus strand), C11orf65 (chromosome 11 open reading frame 65; minus strand). Cytogenetic location: 11q22.3.
Variant type: single nucleotide variant.
Coding change: c.6800A>T on transcript NM_000051.4 (MANE Select); coding-DNA position 6800, A replaced by T.
Protein change: p.Asn2267Ile; replaces asparagine 2267 with isoleucine.
Molecular consequence: missense variant. On other transcripts: intron variant (2).
Genome position (GRCh38, 1-based): chr11:108,325,537, A>T. VCF-style: chr11-108325537-A-T. GRCh37 (hg19) VCF-style: chr11-108196264-A-T.
Other names: c.6800A>T, p.Asn2267Ile (NM_001351834.2); c.641-16466T>A (NM_001330368.2); c.*38+9683T>A (NM_001351110.2); short protein forms N2267I.
Identifiers: ClinVar variation 2873797 (VCV002873797.4), dbSNP rs972348231, ClinGen allele CA228412187.

ClinVar aggregate classification (germline): Uncertain significance. Review status: criteria provided, multiple submitters, no conflicts (2 of 4 stars). 2 submissions from 2 submitters: Uncertain significance (2). Last evaluated 2025-01-16.

Conditions:
Ataxia-telangiectasia syndrome (AT). Also called: ATAXIA-TELANGIECTASIA, COMPLEMENTATION GROUP A; ATAXIA-TELANGIECTASIA, FRESNO VARIANT; Ataxia-telangiectasia; Ataxia-telangiectasia, complementation group E; LOUIS-BAR SYNDROME; Cerebello-oculocutaneous telangiectasia. Identifiers: Orphanet 100, MedGen C0004135, MONDO:0008840, OMIM 208900.
Hereditary cancer-predisposing syndrome. Also called: Tumor predisposition; Hereditary Cancer Syndrome; Hereditary neoplastic syndrome; Neoplastic Syndromes, Hereditary. Identifiers: Orphanet 140162, MedGen C0027672, MeSH D009386, MONDO:0015356.

Allele frequency attached by ClinVar (database versions not stated): gnomAD exomes 0.00001.
gnomAD v4.1: 5 of 1,598,760 alleles (0.00031%); highest among the groups gnomAD compares: Non-Finnish European, 0.00043%; no homozygotes.

Submissions (2):

Ambry Genetics
Classification: Uncertain significance for Hereditary cancer-predisposing syndrome. Last evaluated: 2025-01-16. Review status: criteria provided, single submitter. Criteria: Ambry Variant Classification Scheme 2023. Collection method: clinical testing. Allele origin: germline.
Comment: The p.N2267I variant (also known as c.6800A>T), located in coding exon 45 of the ATM gene, results from an A to T substitution at nucleotide position 6800. The asparagine at codon 2267 is replaced by isoleucine, an amino acid with dissimilar properties. This amino acid position is highly conserved in available vertebrate species. In addition, the in silico prediction for this alteration is inconclusive. Based on the available evidence, the clinical significance of this variant remains unclear.

Labcorp Genetics (formerly Invitae), Labcorp
Classification: Uncertain significance for Ataxia-telangiectasia syndrome. Last evaluated: 2023-08-18. Review status: criteria provided, single submitter. Criteria: Invitae Variant Classification Sherloc (09022015). Collection method: clinical testing. Allele origin: germline.
Comment: In summary, the available evidence is currently insufficient to determine the role of this variant in disease. Therefore, it has been classified as a Variant of Uncertain Significance. An algorithm developed to predict the effect of missense changes on protein structure and function (PolyPhen-2) suggests that this variant is likely to be disruptive. This variant has not been reported in the literature in individuals affected with ATM-related conditions. This variant is not present in population databases (gnomAD no frequency). This sequence change replaces asparagine, which is neutral and polar, with isoleucine, which is neutral and non-polar, at codon 2267 of the ATM protein (p.Asn2267Ile).